The following is an entry in ClinVar:

ClinVar aggregate classification (germline): Uncertain significance (1 of 4 stars; one submission).

Submission:

Ambry Genetics
Classification: Uncertain significance. Last evaluated: 2022-08-22. Review status: criteria provided, single submitter. Criteria: Ambry Variant Classification Scheme 2023. Collection method: clinical testing. Allele origin: germline.
Comment: The p.Q624P variant (also known as c.1871A>C), located in coding exon 14 of the RECQL gene, results from an A to C substitution at nucleotide position 1871. The glutamine at codon 624 is replaced by proline, an amino acid with similar properties. This amino acid position is conserved. In addition, this alteration is predicted to be tolerated by in silico analysis. Since supporting evidence is limited at this time, the clinical significance of this alteration remains unclear.

NM_002907.4(RECQL):c.1871A>C (p.Gln624Pro)

Genes: PYROXD1 (pyridine nucleotide-disulphide oxidoreductase domain 1; plus strand), RECQL (RecQ like helicase; minus strand). Cytogenetic location: 12p12.1.
Variant type: single nucleotide variant.
Coding change: c.1871A>C on transcript NM_002907.4 (MANE Select); coding-DNA position 1871, A replaced by C.
Protein change: p.Gln624Pro; replaces glutamine 624 with proline.
Molecular consequence: missense variant. On other transcripts: 3 prime UTR variant (3).
Genome position (GRCh38, 1-based): chr12:21,470,273, T>G on the plus strand (A>C on the coding strand, the complement: RECQL is on the minus strand). VCF-style: chr12-21470273-T-G. GRCh37 (hg19) VCF-style: chr12-21623207-T-G.
Other names: c.1871A>C, p.Gln624Pro (NM_032941.3); c.*1519T>G (NM_001350912.2, NM_001350913.2, NM_024854.5); short protein forms Q624P.
Identifiers: ClinVar variation 1781691 (VCV001781691.2), dbSNP rs2540305371, ClinGen allele CA384113756.
Genomic context (GRCh38, chr12:21,470,273, plus strand): 5'-CTTTTCTTAGCTCCTGTATTCTTAGAACCAGATTGCTGAAGCATGTTTGCAGCCTTCTTC[T>G]GGAAGTTGCCTGAATTTTTTTCCTCCATCTTTTTATCACCTTGTTCAGAATGACAAGTTT-3'
Protein context (NP_002898.2, residues 614-634): KMEEKNSGNF[Gln624Pro]KKAANMLQQS